The following is an entry in ClinVar:

NM_004429.5(EFNB1):c.161C>G (p.Pro54Arg)

Gene: EFNB1 (ephrin B1; plus strand). Cytogenetic location: Xq13.1.
Variant type: single nucleotide variant.
Coding change: c.161C>G on transcript NM_004429.5 (MANE Select); coding-DNA position 161, C replaced by G.
Protein change: p.Pro54Arg; replaces proline 54 with arginine.
Molecular consequence: missense variant.
Genome position (GRCh38, 1-based): chrX:68,838,649, C>G. VCF-style: chrX-68838649-C-G. GRCh37 (hg19) VCF-style: chrX-68058492-C-G.
Other names: short protein forms P54R.
Identifiers: ClinVar variation 449015 (VCV000449015.3), dbSNP rs104894801, ClinGen allele CA413437326.

ClinVar aggregate classification (germline): Pathogenic (1 of 4 stars; one submission).

Submission:

GeneDx
Classification: Pathogenic. Last evaluated: 2022-08-22. Review status: criteria provided, single submitter. Criteria: GeneDx Variant Classification Process June 2021. Collection method: clinical testing. Allele origin: germline. Affected: yes.
Comment: Not observed at significant frequency in large population cohorts (gnomAD); In silico analysis supports that this missense variant has a deleterious effect on protein structure/function; This variant is associated with the following publications: (PMID: 26661037, 22913777)